The following is an entry in ClinVar:

ClinVar aggregate classification (germline): Pathogenic (1 of 4 stars; one submission).

Conditions:
Nephronophthisis. Also called: Juvenile Nephronophthisis. Identifiers: Orphanet 655, MedGen C0687120, MONDO:0019005, HP:0000090.

gnomAD v4.1: 1 of 1,613,934 alleles (0.000062%); highest among the groups gnomAD compares: Non-Finnish European, 0.000085%; no homozygotes.

Submission:

Labcorp Genetics (formerly Invitae), Labcorp
Classification: Pathogenic for Nephronophthisis. Last evaluated: 2023-08-17. Review status: criteria provided, single submitter. Criteria: Invitae Variant Classification Sherloc (09022015). Collection method: clinical testing. Allele origin: germline.
Comment: ClinVar contains an entry for this variant (Variation ID: 939682). For these reasons, this variant has been classified as Pathogenic. This sequence change creates a premature translational stop signal (p.Gln569*) in the NPHP4 gene. It is expected to result in an absent or disrupted protein product. Loss-of-function variants in NPHP4 are known to be pathogenic (PMID: 12205563, 23559409). This variant is not present in population databases (gnomAD no frequency). This variant has not been reported in the literature in individuals affected with NPHP4-related conditions.

Literature cited by the submitters: PubMed 12205563; PubMed 23559409.

NM_015102.5(NPHP4):c.1705C>T (p.Gln569Ter)

Gene: NPHP4 (nephrocystin 4; minus strand). Cytogenetic location: 1p36.31.
Variant type: single nucleotide variant.
Coding change: c.1705C>T on transcript NM_015102.5 (MANE Select); coding-DNA position 1705, C replaced by T.
Protein change: p.Gln569Ter; replaces glutamine 569 with a stop codon.
Molecular consequence: nonsense. On other transcripts: non-coding transcript variant (1).
Genome position (GRCh38, 1-based): chr1:5,905,690, G>A on the plus strand (C>T on the coding strand, the complement: NPHP4 is on the minus strand). VCF-style: chr1-5905690-G-A. GRCh37 (hg19) VCF-style: chr1-5965750-G-A.
Other names: c.166C>T, p.Gln56Ter (NM_001291593.2); c.169C>T, p.Gln57Ter (NM_001291594.2); short protein forms Q57*, Q569*, Q56*.
Identifiers: ClinVar variation 939682 (VCV000939682.7), dbSNP rs113413307, ClinGen allele CA338055299.